The following is an entry in ClinVar:

NM_000052.7(ATP7A):c.2595A>G (p.Gly865=)

Gene: ATP7A (ATPase copper transporting alpha; plus strand). Cytogenetic location: Xq21.1.
Variant type: single nucleotide variant.
Coding change: c.2595A>G on transcript NM_000052.7 (MANE Select); coding-DNA position 2595, A replaced by G.
Protein change: p.Gly865=; no amino-acid change (glycine 865 retained).
Molecular consequence: synonymous variant.
Genome position (GRCh38, 1-based): chrX:78,015,850, A>G. VCF-style: chrX-78015850-A-G. GRCh37 (hg19) VCF-style: chrX-77271347-A-G.
Other names: c.2361A>G, p.Gly787= (NM_001282224.2).
Identifiers: ClinVar variation 1130463 (VCV001130463.13), dbSNP rs1557235097, ClinGen allele CA517061640.

ClinVar aggregate classification (germline): Likely benign. Review status: criteria provided, multiple submitters, no conflicts (2 of 4 stars). 2 submissions from 2 submitters: Likely benign (2). Last evaluated 2026-01-01.

Conditions:
Menkes kinky-hair syndrome (MNK). Also called: Menkes Disease; Copper transport disease; Classic Menkes Disease. Identifiers: Orphanet 565, MedGen C0022716, MONDO:0010651, OMIM 309400.
Cutis laxa, X-linked (OHS). Also called: Occipital horn syndrome; EDS IX. Identifiers: Orphanet 198, MedGen C0268353, MONDO:0010572, OMIM 304150.
X-linked distal spinal muscular atrophy type 3. Also called: NEURONOPATHY, DISTAL HEREDITARY MOTOR, X-LINKED; NEUROPATHY, DISTAL HEREDITARY MOTOR, X-LINKED; ATP7A-Related Distal Motor Neuropathy; SPINAL MUSCULAR ATROPHY, DISTAL, X-LINKED RECESSIVE. Identifiers: Orphanet 139557, MedGen C1845359, MONDO:0010338, OMIM 300489.

Allele frequency attached by ClinVar (database versions not stated): gnomAD exomes below 0.00001 and 0.00001; TOPMed below 0.00001.
gnomAD v4.1: 2 of 1,211,797 alleles (0.00017%); highest among the groups gnomAD compares: Admixed American, 0.0043%; no homozygotes.

Submissions (2):

CeGaT Center for Human Genetics Tuebingen
Classification: Likely benign. Last evaluated: 2026-01-01. Review status: criteria provided, single submitter. Criteria: CeGaT Center For Human Genetics Tuebingen Variant Classification Criteria Version 2. Collection method: clinical testing. Allele origin: germline. Affected: yes. Observed: 1 variant allele.
Comment: ATP7A: BP4, BP7

Labcorp Genetics (formerly Invitae), Labcorp
Classification: Likely benign for X-linked distal spinal muscular atrophy type 3; Cutis laxa, X-linked; Menkes kinky-hair syndrome. Last evaluated: 2025-12-08. Review status: criteria provided, single submitter. Criteria: Invitae Variant Classification Sherloc (09022015). Collection method: clinical testing. Allele origin: germline.